The following is an entry in ClinVar:

NM_001282225.2(ADA2):c.505C>T (p.Arg169Trp)

Gene: ADA2 (adenosine deaminase 2; minus strand). Cytogenetic location: 22q11.1.
Variant type: single nucleotide variant.
Coding change: c.505C>T on transcript NM_001282225.2 (MANE Select); coding-DNA position 505, C replaced by T.
Protein change: p.Arg169Trp; replaces arginine 169 with tryptophan.
Molecular consequence: missense variant.
Genome position (GRCh38, 1-based): chr22:17,207,108, G>A on the plus strand (C>T on the coding strand, the complement: ADA2 is on the minus strand). VCF-style: chr22-17207108-G-A. GRCh37 (hg19) VCF-style: chr22-17687998-G-A.
Other names: c.505C>T, p.Arg169Trp (NM_001282226.2); c.379C>T, p.Arg127Trp (NM_001282227.2, NM_001282228.2); c.145C>T, p.Arg49Trp (NM_001282229.2); short protein forms R169W, R49W, R127W.
Identifiers: ClinVar variation 956376 (VCV000956376.11), dbSNP rs775997344, ClinGen allele CA410229558.

ClinVar aggregate classification (germline): Pathogenic/Likely pathogenic. Review status: criteria provided, multiple submitters, no conflicts (2 of 4 stars). 2 submissions from 2 submitters: Pathogenic (1); Likely pathogenic (1). Last evaluated 2025-04-14.

Conditions:
Deficiency of adenosine deaminase 2. Also called: Polyarteritis nodosa, childhoood-onset; Adenosine Deaminase 2 Deficiency; VASCULITIS, AUTOINFLAMMATION, IMMUNODEFICIENCY, AND HEMATOLOGIC DEFECTS SYNDROME. Identifiers: Orphanet 404553, MedGen C3887654, MONDO:0014306, OMIM 615688, MONDO:0100317.
Sneddon syndrome (SNDNS). Also called: Idiopathic livedo reticularis with systemic involvement; LIVEDO RETICULARIS AND CEREBROVASCULAR ACCIDENTS. Identifiers: Orphanet 820, MedGen C0282492, MONDO:0008436, OMIM 182410.

gnomAD v4.1: 5 of 1,614,174 alleles (0.00031%); highest among the groups gnomAD compares: Admixed American, 0.0017%; no homozygotes.

Submissions (2):

Labcorp Genetics (formerly Invitae), Labcorp
Classification: Pathogenic for Deficiency of adenosine deaminase 2. Last evaluated: 2025-04-14. Review status: criteria provided, single submitter. Criteria: Invitae Variant Classification Sherloc (09022015). Collection method: clinical testing. Allele origin: germline.
Comment: This sequence change replaces arginine, which is basic and polar, with tryptophan, which is neutral and slightly polar, at codon 169 of the ADA2 protein (p.Arg169Trp). This variant is not present in population databases (gnomAD no frequency). This missense change has been observed in individual(s) with clinical features of ADA2-related conditions (internal data). In at least one individual the data is consistent with being in trans (on the opposite chromosome) from a pathogenic variant. ClinVar contains an entry for this variant (Variation ID: 956376). Invitae Evidence Modeling of protein sequence and biophysical properties (such as structural, functional, and spatial information, amino acid conservation, physicochemical variation, residue mobility, and thermodynamic stability) indicates that this missense variant is expected to disrupt ADA2 protein function with a positive predictive value of 95%. This variant disrupts the p.Arg169 amino acid residue in ADA2. Other variant(s) that disrupt this residue have been determined to be pathogenic (PMID: 24552284, 24552285, 25888558, 26867732). This suggests that this residue is clinically significant, and that variants that disrupt this residue are likely to be disease-causing. For these reasons, this variant has been classified as Pathogenic.

Fulgent Genetics
Classification: Likely pathogenic for Sneddon syndrome; Deficiency of adenosine deaminase 2. Last evaluated: 2024-04-26. Review status: criteria provided, single submitter. Criteria: ACMG Guidelines, 2015. Collection method: clinical testing. Allele origin: germline.

Literature cited by the submitters: PubMed 24552284 (cited by Labcorp Genetics (formerly Invitae), Labcorp); PubMed 24552285 (cited by Labcorp Genetics (formerly Invitae), Labcorp); PubMed 25888558 (cited by Labcorp Genetics (formerly Invitae), Labcorp); PubMed 26867732 (cited by Labcorp Genetics (formerly Invitae), Labcorp).